The following is an entry in ClinVar:

NM_001040108.2(MLH3):c.1769G>A (p.Cys590Tyr)

Gene: MLH3 (mutL homolog 3; minus strand). Cytogenetic location: 14q24.3.
Variant type: single nucleotide variant.
Coding change: c.1769G>A on transcript NM_001040108.2 (MANE Select); coding-DNA position 1769, G replaced by A.
Protein change: p.Cys590Tyr; replaces cysteine 590 with tyrosine.
Molecular consequence: missense variant.
Genome position (GRCh38, 1-based): chr14:75,047,887, C>T on the plus strand (G>A on the coding strand, the complement: MLH3 is on the minus strand). VCF-style: chr14-75047887-C-T. GRCh37 (hg19) VCF-style: chr14-75514590-C-T.
Other names: c.1769G>A, p.Cys590Tyr (NM_014381.3); short protein forms C590Y.
Identifiers: ClinVar variation 4860190 (VCV004860190.1).
Genomic context (GRCh38, chr14:75,047,887, plus strand): 5'-GTTATAAAGCCAGTGGAACATAATTTAACTCGCCCATAACTAAAAACATTTCTTCTTCCA[C>T]AATTGCTAGATTCTTTTTTTTTCTCTTTCTCTGTCTGAGCACTATGTACTCCCCATAATG-3'
Protein context (NP_001035197.1, residues 580-600): EKEKKKESSN[Cys590Tyr]GRRNVFSYGR

ClinVar aggregate classification (germline): Uncertain significance (1 of 4 stars; one submission).

Submission:

Ambry Genetics
Classification: Uncertain significance. Last evaluated: 2026-04-28. Review status: criteria provided, single submitter. Criteria: Ambry Variant Classification Scheme 2023. Collection method: clinical testing. Allele origin: germline.
Comment: The p.C590Y variant (also known as c.1769G>A), located in coding exon 1 of the MLH3 gene, results from a G to A substitution at nucleotide position 1769. The cysteine at codon 590 is replaced by tyrosine, an amino acid with highly dissimilar properties. This amino acid position is conserved. In addition, this alteration is predicted to be tolerated by in silico analysis. Based on the available evidence, the clinical significance of this variant remains unclear.